The following is an entry in ClinVar:

NM_001256789.3(CACNA1F):c.2809G>A (p.Val937Ile)

Gene: CACNA1F (calcium voltage-gated channel subunit alpha1 F; minus strand). Cytogenetic location: Xp11.23.
Variant type: single nucleotide variant.
Coding change: c.2809G>A on transcript NM_001256789.3 (MANE Select); coding-DNA position 2809, G replaced by A.
Protein change: p.Val937Ile; replaces valine 937 with isoleucine.
Molecular consequence: missense variant.
Genome position (GRCh38, 1-based): chrX:49,218,660, C>T on the plus strand (G>A on the coding strand, the complement: CACNA1F is on the minus strand). VCF-style: chrX-49218660-C-T. GRCh37 (hg19) VCF-style: chrX-49075119-C-T.
Other names: c.2647G>A, p.Val883Ile (NM_001256790.3); c.2842G>A, p.Val948Ile (NM_005183.4); short protein forms V937I, V948I, V883I.
Identifiers: ClinVar variation 3642285 (VCV003642285.2).

ClinVar aggregate classification (germline): Uncertain significance (1 of 4 stars; one submission).

Submission:

Labcorp Genetics (formerly Invitae), Labcorp
Classification: Uncertain significance. Last evaluated: 2024-02-27. Review status: criteria provided, single submitter. Criteria: Invitae Variant Classification Sherloc (09022015). Collection method: clinical testing. Allele origin: germline.
Comment: This sequence change replaces valine, which is neutral and non-polar, with isoleucine, which is neutral and non-polar, at codon 948 of the CACNA1F protein (p.Val948Ile). This variant is not present in population databases (gnomAD no frequency). This variant has not been reported in the literature in individuals affected with CACNA1F-related conditions. Advanced modeling of protein sequence and biophysical properties (such as structural, functional, and spatial information, amino acid conservation, physicochemical variation, residue mobility, and thermodynamic stability) performed at Invitae indicates that this missense variant is not expected to disrupt CACNA1F protein function with a negative predictive value of 80%. In summary, the available evidence is currently insufficient to determine the role of this variant in disease. Therefore, it has been classified as a Variant of Uncertain Significance.